The following is an entry in ClinVar:

ClinVar aggregate classification (germline): Pathogenic/Likely pathogenic. Review status: criteria provided, multiple submitters, no conflicts (2 of 4 stars). 6 submissions from 6 submitters: Pathogenic (5); Likely pathogenic (1). Last evaluated 2026-09-05.

Conditions:
Long QT syndrome (LQTS). Identifiers: MedGen C0023976, MeSH D008133, MONDO:0002442. Disease mechanism: loss of function. Inheritance: Various modes of inheritance.
Long QT syndrome 2 (LQT2). Identifiers: Orphanet 101016, Orphanet 768, MedGen C3150943, MONDO:0013367, OMIM 613688.
Cardiovascular phenotype. Identifiers: MedGen CN230736.

Allele frequency attached by ClinVar (database versions not stated): gnomAD exomes below 0.00001.

Submissions (6):

GeneDx
Classification: Likely pathogenic. Last evaluated: 2026-09-05. Review status: criteria provided, single submitter. Criteria: GeneDx Variant Classification Process June 2021. Collection method: clinical testing. Allele origin: germline.
Comment: Reported in patients with LQTS (PMID: 19926013); Frameshift variant predicted to result in protein truncation or nonsense mediated decay in a gene for which loss of function is a known mechanism of disease; Not observed at significant frequency in large population cohorts (gnomAD); This variant is associated with the following publications: (PMID: 36861347, 20541041, 19926013)

Labcorp Genetics (formerly Invitae), Labcorp
Classification: Pathogenic for Long QT syndrome. Last evaluated: 2025-12-20. Review status: criteria provided, single submitter. Criteria: Invitae Variant Classification Sherloc (09022015). Collection method: clinical testing. Allele origin: germline.
Comment: This sequence change creates a premature translational stop signal (p.Leu973Argfs*84) in the KCNH2 gene. It is expected to result in an absent or disrupted protein product. Loss-of-function variants in KCNH2 are known to be pathogenic (PMID: 10973849, 19862833). This variant is not present in population databases (gnomAD no frequency). This premature translational stop signal has been observed in individual(s) with Long QT syndrome (PMID: 19926013). ClinVar contains an entry for this variant (Variation ID: 858435). For these reasons, this variant has been classified as Pathogenic.

Molecular Diagnostic Laboratory for Inherited Cardiovascular Disease, Montreal Heart Institute
Classification: Pathogenic for Cardiovascular phenotype. Last evaluated: 2025-04-30. Review status: criteria provided, single submitter. Criteria: ACMG Guidelines, 2015. Collection method: clinical testing. Allele origin: germline. Affected: yes.
Comment: PVS1, PM2, PS4_supp

CeGaT Center for Human Genetics Tuebingen
Classification: Pathogenic. Last evaluated: 2024-12-01. Review status: criteria provided, single submitter. Criteria: CeGaT Center For Human Genetics Tuebingen Variant Classification Criteria Version 2. Collection method: clinical testing. Allele origin: germline. Affected: yes. Observed: 4 variant alleles.
Comment: KCNH2: PVS1, PM2, PS4:Moderate

Ambry Genetics
Classification: Pathogenic for Cardiovascular phenotype. Last evaluated: 2023-08-24. Review status: criteria provided, single submitter. Criteria: Ambry Variant Classification Scheme 2023. Collection method: clinical testing. Allele origin: germline.
Comment: The c.2918delT pathogenic mutation, located in coding exon 12 of the KCNH2 gene, results from a deletion of one nucleotide at nucleotide position 2918, causing a translational frameshift with a predicted alternate stop codon (p.L973Rfs*84). This variant has been detected in a long QT syndrome cohort (Shimizu W et al. J Am Coll Cardiol, 2009 Nov;54:2052-62; Itoh H et al. Heart Rhythm, 2010 Oct;7:1411-8). This variant is considered to be rare based on population cohorts in the Genome Aggregation Database (gnomAD). This alteration is expected to result in loss of function by premature protein truncation or nonsense-mediated mRNA decay. As such, this alteration is interpreted as a disease-causing mutation.

Molecular Diagnostics Laboratory, M Health Fairview: University of Minnesota
Classification: Pathogenic for Long QT syndrome 2. Last evaluated: 2021-08-02. Review status: criteria provided, single submitter. Criteria: ACMG Guidelines, 2015. Collection method: clinical testing. Allele origin: germline. Affected: yes.

Literature cited by the submitters: PubMed 10973849 (cited by Labcorp Genetics (formerly Invitae), Labcorp); PubMed 19862833 (cited by Labcorp Genetics (formerly Invitae), Labcorp); PubMed 19926013 (cited by Labcorp Genetics (formerly Invitae), Labcorp and Ambry Genetics); PubMed 20541041 (cited by Ambry Genetics).

NM_000238.4(KCNH2):c.2918del (p.Leu973fs)

Gene: KCNH2 (potassium voltage-gated channel subfamily H member 2; minus strand). Cytogenetic location: 7q36.1.
Variant type: Deletion.
Coding change: c.2918del on transcript NM_000238.4 (MANE Select); coding-DNA position 2918, one base deleted (T; older notation c.2918delT).
Protein change: p.Leu973fs; shifts the reading frame from leucine 973.
Molecular consequence: frameshift variant.
Genome position (GRCh38, 1-based): chr7:150,947,653, A deleted on the plus strand (T on the coding strand, the reverse complement: KCNH2 is on the minus strand). VCF-style (leftmost placement, unchanged base first): chr7-150947652-CA-C. GRCh37 (hg19) VCF-style: chr7-150644740-CA-C.
Other names: p.Leu973ArgfsX84; c.2918del (NM_000238.2); c.1898del, p.Leu633fs (NM_172057.3); c.2918delT (NM_000238.3); short protein forms L633fs, L973fs.
Identifiers: ClinVar variation 858435 (VCV000858435.29), dbSNP rs1800958758, ClinGen allele CA916080378.